The following is an entry in ClinVar:

NM_004473.4(FOXE1):c.512_513insTGCCGCAGC (p.Ala177_Ala179dup)

Gene: FOXE1 (forkhead box E1; plus strand). Cytogenetic location: 9q22.33.
Variant type: Insertion.
Coding change: c.512_513insTGCCGCAGC on transcript NM_004473.4 (MANE Select); coding-DNA positions 512 to 513, TGCCGCAGC inserted.
Protein change: p.Ala177_Ala179dup.
Molecular consequence: inframe insertion.
Genome position: GRCh38 VCF-style: chr9-97854424-C-CGCTGCCGCA. GRCh37 (hg19) VCF-style: chr9-100616706-C-CGCTGCCGCA.
Identifiers: ClinVar variation 522287 (VCV000522287.5), dbSNP rs755194188, ClinGen allele CA5149125.

ClinVar aggregate classification (germline): Benign. Review status: criteria provided, multiple submitters, no conflicts (2 of 4 stars). 3 submissions from 3 submitters: Benign (2). 1 of the submissions does not count toward it. Last evaluated 2026-06-03.

Conditions:
Bamforth-Lazarus syndrome. Identifiers: Orphanet 1226, MedGen C1855794, MONDO:0009437, OMIM 241850.

Submissions (3):

Women's Health and Genetics/Laboratory Corporation of America, LabCorp
Classification: Benign. Last evaluated: 2026-06-03. Review status: criteria provided, single submitter. Criteria: LabCorp Variant Classification Summary - May 2015. Collection method: clinical testing. Allele origin: germline.
Comment: Variant summary: FOXE1 c.512_513insTGCCGCAGC (p.Ala177_Ala179dup) results in an in-frame duplication that is predicted to duplicate two amino acids into the encoded protein. The variant allele was found at a frequency of 0.014 in 30440 control chromosomes in the gnomAD database, including 5 homozygotes. The observed variant frequency exceeds the estimated maximal expected allele frequency for disease-causing variants in FOXE1. To our knowledge, no occurrence of c.512_513insTGCCGCAGC in individuals affected with FOXE1-related conditions and no experimental evidence demonstrating its impact on protein function have been reported. ClinVar contains an entry for this variant (Variation ID: 522287). Based on the evidence outlined above, the variant was classified as benign.

Clinical Genetics DNA and cytogenetics Diagnostics Lab, Erasmus MC, Erasmus Medical Center
Classification: Benign for Bamforth-Lazarus syndrome. Last evaluated: 2015-11-20. Review status: criteria provided, single submitter. Criteria: ACGS Guidelines, 2013. Collection method: clinical testing. Allele origin: germline. Affected: yes. Study: VKGL Data-share Consensus.

Clinical Genetics, Academic Medical Center
Classification: Benign. Review status: no assertion criteria provided. Collection method: clinical testing. Allele origin: germline. Affected: yes. Study: VKGL Data-share Consensus. Not counted in ClinVar's aggregate classification.